The following is an entry in ClinVar:

ClinVar aggregate classification (germline): Pathogenic. Review status: reviewed by expert panel (3 of 4 stars). 25 submissions from 25 submitters: Pathogenic (1). 24 of the submissions do not count toward it. Last evaluated 2018-08-07.

Conditions:
PAH-related disorder. Also called: PAH-related condition.
Inborn genetic diseases. Identifiers: MedGen C0950123, MeSH D030342.
Hyperphenylalaninemia. Also called: Hyperphenylalaninemia, non-pku; Hyperphenylalaninaemia; Hyperphenylalaninemia (HPA). Identifiers: MedGen C0751435, HP:0004923.
Phenylketonuria (PKU). Also called: OLIGOPHRENIA PHENYLPYRUVICA; FOLLING DISEASE; Phenylketonuria (PKU); Phenylketonurias. Identifiers: Orphanet 716, MedGen C0031485, MONDO:0009861, OMIM 261600. Disease mechanism: loss of function.

Allele frequency attached by ClinVar (database versions not stated): gnomAD 0.00004; gnomAD exomes 0.00004 and 0.00011; ExAC 0.00005; TOPMed 0.00005.

Submissions 1 to 13 of 25:

ClinGen PAH Variant Curation Expert Panel
Classification: Pathogenic for Phenylketonuria. Last evaluated: 2018-08-07. Review status: reviewed by expert panel. Criteria: ClinGen PAH ACMG Specifications v1. Collection method: curation. Allele origin: germline. Inheritance: Autosomal recessive inheritance.
Comment: PAH-specific ACMG/AMP criteria applied: PVS1: nonsense variant; PS3: <1% of normal PAH activity (PMID:2014036). In summary this variant meets criteria to be classified as pathogenic for phenylketonuria in an autosomal recessive manner based on the ACMG/AMP criteria applied as specified by the PAH Expert Panel: (PVS1, PS3).

CeGaT Center for Human Genetics Tuebingen
Classification: Pathogenic. Last evaluated: 2026-06-01. Review status: criteria provided, single submitter. Criteria: CeGaT Center For Human Genetics Tuebingen Variant Classification Criteria Version 2. Collection method: clinical testing. Allele origin: germline. Affected: yes. Observed: 5 variant alleles. Not counted in ClinVar's aggregate classification.
Comment: PAH: PM3:Very Strong, PVS1, PM2, PP4:Moderate

Labcorp Genetics (formerly Invitae), Labcorp
Classification: Pathogenic for Phenylketonuria. Last evaluated: 2025-12-31. Review status: criteria provided, single submitter. Criteria: Invitae Variant Classification Sherloc (09022015). Collection method: clinical testing. Allele origin: germline. Not counted in ClinVar's aggregate classification.
Comment: This sequence change creates a premature translational stop signal (p.Arg243*) in the PAH gene. It is expected to result in an absent or disrupted protein product. Loss-of-function variants in PAH are known to be pathogenic (PMID: 1301187, 9634518). This variant is present in population databases (rs5030846, gnomAD 0.008%). This premature translational stop signal has been observed in individual(s) with PKU (PMID: 2014036, 11486900, 14741196, 17935162, 23500595, 24130151, 26666653; internal data). ClinVar contains an entry for this variant (Variation ID: 588). For these reasons, this variant has been classified as Pathogenic.

Ambry Genetics
Classification: Pathogenic for Inborn genetic diseases. Last evaluated: 2025-09-09. Review status: criteria provided, single submitter. Criteria: Ambry Variant Classification Scheme 2023. Collection method: clinical testing. Allele origin: germline. Not counted in ClinVar's aggregate classification.
Comment: The c.727C>T (p.R243*) alteration, located in exon 7 (coding exon 7) of the PAH gene, consists of a C to T substitution at nucleotide position 727. This changes the amino acid from an arginine (R) to a stop codon at amino acid position 243. This alteration is expected to result in loss of function by premature protein truncation or nonsense-mediated mRNA decay. Based on data from gnomAD, the T allele has an overall frequency of 0.005% (13/282470) total alleles studied. The highest observed frequency was 0.009% (11/128860) of European (non-Finnish) alleles. This mutation has been reported in multiple homozygous and compound heterozygous individuals with phenylalanine hydroxylase deficiency (Zare-Karizi, 2011; Couce, 2013; Ald&aacute;miz-Echevarr&iacute;a, 2016; Su, 2019). Based on the available evidence, this alteration is classified as pathogenic.

Natera, Inc.
Classification: Pathogenic for Phenylketonuria. Last evaluated: 2025-08-01. Review status: criteria provided, single submitter. Criteria: Natera Variant Classification Schema (03/2026). Collection method: clinical testing. Allele origin: germline. Not counted in ClinVar's aggregate classification.
Comment: The c.727C>T variant in PAH is a nonsense variant predicted to introduce a stop codon at amino acid 243. This variant is expected to result in nonsense mediated decay, truncation, or a dysfunctional protein product. This variant is rare in the general population with a frequency below the threshold expected for the associated phenotype(s). This variant has been observed in one or more individuals affected with the associated recessive disease, as either homozygous or compound heterozygous with a second variant (PMID: 21890392, 20920871). Given the available evidence, this variant is classified as Pathogenic.

Quest Diagnostics Nichols Institute San Juan Capistrano
Classification: Pathogenic. Last evaluated: 2024-10-30. Review status: criteria provided, single submitter. Criteria: Quest Diagnostics criteria. Collection method: clinical testing. Allele origin: unknown. Not counted in ClinVar's aggregate classification.
Comment: The PAH c.727C>T (p.Arg243*) variant causes the premature termination of PAH protein synthesis. In the published literature, this variant has been reported in individuals with phenylketonuria (PKU) and is associated with having nearly absent residual PAH activity (PMIDs: 31355225 (2019), 26666653 (2015), 24130151 (2014), 23500595 (2013), 17935162 (2008), 15589814 (2004), 14741196 (2004), 11486900 (2001), 2014036 (1991)). BH4-reponsiveness of this variant ranged from mildly responsive (PMIDs: 15589814 (2004), 14741196 (2004)) to nonresponsive (PMIDs: 26666653 (2015), 17935162 (2008)). The frequency of this variant in the general population, 0.000085 (11/128860 chromosomes (Genome Aggregation Database)), is consistent with pathogenicity. Based on the available information, this variant is classified as pathogenic.

Victorian Clinical Genetics Services, Murdoch Childrens Research Institute
Classification: Pathogenic for Phenylketonuria. Last evaluated: 2024-10-08. Review status: criteria provided, single submitter. Criteria: ACMG Guidelines, 2015. Collection method: clinical testing. Allele origin: germline. Inheritance: Autosomal recessive inheritance. Affected: yes. Not counted in ClinVar's aggregate classification.
Comment: Based on the classification scheme VCGS_Germline_v1.3.4, this variant is classified as Pathogenic. Following criteria are met: 0102 - Loss of function is a known mechanism of disease in this gene and is associated with phenylketonuria (MIM#261600). (I) 0106 - This gene is associated with autosomal recessive disease. (I) 0201 - Variant is predicted to cause nonsense-mediated decay (NMD) and loss of protein (premature termination codon is located at least 54 nucleotides upstream of the final exon-exon junction). (SP) 0251 - This variant is heterozygous. (I) 0304 - Variant is present in gnomAD (v2) <0.01 for a recessive condition (13 heterozygotes, 0 homozygotes). (SP) 0701 - Other NMD predicted variants comparable to the one identified in this case have very strong previous evidence for pathogenicity (DECIPHER). (SP) 0801 - This variant has strong previous evidence of pathogenicity in unrelated individuals. This variant is classified as pathogenic by an expert panel in ClinVar and has been observed as homozygous or compound heterozygous in individuals with classical PKU (PMID: 26666653). (SP) Legend: (SP) - Supporting pathogenic, (I) - Information, (SB) - Supporting benign

Dubai Health Genomic Medicine Center, Dubai Health
Classification: Pathogenic for Hyperphenylalaninemia. Last evaluated: 2024-10-04. Review status: criteria provided, single submitter. Criteria: ACMG Guidelines, 2015. Collection method: research. Allele origin: germline. Affected: yes. Not counted in ClinVar's aggregate classification.
Comment: PVS1, PS3,PM2,PP4

Blueprint Genetics
Classification: Pathogenic for PAH-related disorders. Last evaluated: 2024-07-30. Review status: criteria provided, single submitter. Criteria: ACMG Guidelines, 2015. Collection method: clinical testing. Allele origin: germline. Affected: yes. Observed: 5 variant alleles. Not counted in ClinVar's aggregate classification.

Mayo Clinic Laboratories, Mayo Clinic
Classification: Pathogenic. Last evaluated: 2024-03-18. Review status: criteria provided, single submitter. Criteria: ACMG Guidelines, 2015. Collection method: clinical testing. Allele origin: germline. Observed: 2 variant alleles. Not counted in ClinVar's aggregate classification.
Comment: PM2_moderate, PM3, PS3, PVS1

Revvity Omics, Revvity
Classification: Pathogenic for Phenylketonuria. Last evaluated: 2023-09-06. Review status: criteria provided, single submitter. Criteria: ACMG Guidelines, 2015. Collection method: clinical testing. Allele origin: germline. Not counted in ClinVar's aggregate classification.

Genome-Nilou Lab
Classification: Pathogenic for Phenylketonuria. Last evaluated: 2021-07-22. Review status: criteria provided, single submitter. Criteria: ACMG Guidelines, 2015. Collection method: clinical testing. Allele origin: germline. Affected: no. Not counted in ClinVar's aggregate classification.

GeneDx
Classification: Pathogenic. Last evaluated: 2019-12-05. Review status: criteria provided, single submitter. Criteria: GeneDx Variant Classification Process June 2021. Collection method: clinical testing. Allele origin: germline. Affected: yes. Not counted in ClinVar's aggregate classification.
Comment: Nonsense variant predicted to result in protein truncation or nonsense mediated decay in a gene for which loss-of-function is a known mechanism of disease; Patients homozygous for the R243X variant are reported to have a classic PKU phenotype and are not responsive to BH4 therapy (Zurfluh et al., 2008); Not observed at a significant frequency in large population cohorts (Lek et al., 2016); This variant is associated with the following publications: (PMID: 25525159, 26589311, 26210745, 30747360, 26655635, 23500595, 11486900, 24941924, 24130151, 17935162, 26759449, 27121329, 14741196, 2309142, 2014036, 28676969, 28540274, 29499199, 31355225, 26666653, 31589614)

NM_000277.3(PAH):c.727C>T (p.Arg243Ter)

Gene: PAH (phenylalanine hydroxylase; minus strand). Cytogenetic location: 12q23.2.
Variant type: single nucleotide variant.
Coding change: c.727C>T on transcript NM_000277.3 (MANE Select); coding-DNA position 727, C replaced by T.
Protein change: p.Arg243Ter; replaces arginine 243 with a stop codon.
Molecular consequence: nonsense.
Genome position (GRCh38, 1-based): chr12:102,852,930, G>A on the plus strand (C>T on the coding strand, the complement: PAH is on the minus strand). VCF-style: chr12-102852930-G-A. GRCh37 (hg19) VCF-style: chr12-103246708-G-A.
Other names: NM_000277.2(PAH):c.727C>T; c.727C>T (NM_000277.2); c.727C>T, p.Arg243Ter (NM_001354304.2); short protein forms R243*.
Identifiers: ClinVar variation 588 (VCV000000588.143), dbSNP rs5030846, ClinGen allele CA220585.